The following is an entry in ClinVar:

NM_000548.5(TSC2):c.1913T>A (p.Val638Glu)

Gene: TSC2 (TSC complex subunit 2; plus strand). Cytogenetic location: 16p13.3.
Variant type: single nucleotide variant.
Coding change: c.1913T>A on transcript NM_000548.5 (MANE Select); coding-DNA position 1913, T replaced by A.
Protein change: p.Val638Glu; replaces valine 638 with glutamic acid.
Molecular consequence: missense variant. On other transcripts: non-coding transcript variant (5).
Genome position (GRCh38, 1-based): chr16:2,071,583, T>A. VCF-style: chr16-2071583-T-A. GRCh37 (hg19) VCF-style: chr16-2121584-T-A.
Other names: c.1913T>A, p.Val638Glu (NM_001363528.2, NM_001370404.1, NM_001370405.1 and 6 more transcripts); c.2003T>A, p.Val668Glu (NM_001406667.1, NM_001406668.1); c.1802T>A, p.Val601Glu (NM_001406670.1, NM_001406678.1, NM_001318827.2); c.1313T>A, p.Val438Glu (NM_001406683.1, NM_001406684.1, NM_001406685.1 and 6 more transcripts); c.569T>A, p.Val190Glu (NM_001406689.1, NM_001406690.1, NM_001406691.1 and 6 more transcripts); c.1901T>A, p.Val634Glu (NM_001406671.1, NM_001406673.1); c.1766T>A, p.Val589Glu (NM_001406675.1, NM_001406676.1, NM_001406679.1 and 1 more transcripts); c.1856T>A, p.Val619Glu (NM_001406677.1); and 3 more; short protein forms V104E, V190E, V438E, V484E, V589E, V601E, V619E, V634E.
Identifiers: ClinVar variation 4802855 (VCV004802855.1).

ClinVar aggregate classification (germline): Uncertain significance (1 of 4 stars; one submission).

Conditions:
Tuberous sclerosis 2 (TSC2). Identifiers: Orphanet 805, MedGen C1860707, MONDO:0013199, OMIM 613254.

Submission:

Labcorp Genetics (formerly Invitae), Labcorp
Classification: Uncertain significance for Tuberous sclerosis 2. Last evaluated: 2025-06-29. Review status: criteria provided, single submitter. Criteria: Invitae Variant Classification Sherloc (09022015). Collection method: clinical testing. Allele origin: germline.
Comment: This sequence change replaces valine, which is neutral and non-polar, with glutamic acid, which is acidic and polar, at codon 638 of the TSC2 protein (p.Val638Glu). This variant is not present in population databases (gnomAD no frequency). This variant has not been reported in the literature in individuals affected with TSC2-related conditions. Invitae Evidence Modeling of protein sequence and biophysical properties (such as structural, functional, and spatial information, amino acid conservation, physicochemical variation, residue mobility, and thermodynamic stability) indicates that this missense variant is not expected to disrupt TSC2 protein function with a negative predictive value of 95%. In summary, the available evidence is currently insufficient to determine the role of this variant in disease. Therefore, it has been classified as a Variant of Uncertain Significance.